The following is an entry in ClinVar:

ClinVar aggregate classification (germline): Uncertain significance (1 of 4 stars; one submission).

Conditions:
ATP13A3-related disorder. Also called: ATP13A3-related condition.

Submission:

PreventionGenetics, part of Exact Sciences
Classification: Uncertain significance for ATP13A3-related condition. Last evaluated: 2023-05-26. Review status: criteria provided, single submitter. Criteria: ACMG Guidelines, 2015. Collection method: clinical testing. Allele origin: germline.
Comment: The ATP13A3 c.3542A>G variant is predicted to result in the amino acid substitution p.Lys1181Arg. To our knowledge, this variant has not been reported in the literature or in a large population database, indicating this variant is rare. At this time, the clinical significance of this variant is uncertain due to the absence of conclusive functional and genetic evidence.

NM_001367549.1(ATP13A3):c.3632A>G (p.Lys1211Arg)

Gene: ATP13A3 (ATPase 13A3; minus strand). Cytogenetic location: 3q29.
Variant type: single nucleotide variant.
Coding change: c.3632A>G on transcript NM_001367549.1 (MANE Select); coding-DNA position 3632, A replaced by G.
Protein change: p.Lys1211Arg; replaces lysine 1211 with arginine.
Molecular consequence: missense variant. On other transcripts: non-coding transcript variant (1).
Genome position (GRCh38, 1-based): chr3:194,406,058, T>C on the plus strand (A>G on the coding strand, the complement: ATP13A3 is on the minus strand). VCF-style: chr3-194406058-T-C. GRCh37 (hg19) VCF-style: chr3-194126787-T-C.
Other names: c.3551A>G, p.Lys1184Arg (NM_001374836.1); c.3542A>G, p.Lys1181Arg (NM_024524.4); short protein forms K1181R, K1184R, K1211R.
Identifiers: ClinVar variation 2636708 (VCV002636708.1), dbSNP rs2474053056, ClinGen allele CA355813229.